The following is an entry in ClinVar:

ClinVar aggregate classification (germline): Pathogenic (1 of 4 stars; one submission).

Submission:

GeneDx
Classification: Pathogenic. Last evaluated: 2019-01-08. Review status: criteria provided, single submitter. Criteria: GeneDx Variant Classification (06012015). Collection method: clinical testing. Allele origin: germline. Affected: yes.
Comment: The Q254X variant in the ARID1B gene has not been reported previously as a pathogenic variant nor as a benign variant, to our knowledge. This variant is predicted to cause loss of normal protein function either through protein truncation or nonsense-mediated mRNA decay. The Q254X variant is not observed in large population cohorts (Lek et al., 2016). We interpret Q254X as a pathogenic variant.

NM_001374828.1(ARID1B):c.1009C>T (p.Gln337Ter)

Gene: ARID1B (AT-rich interaction domain 1B; plus strand). Cytogenetic location: 6q25.3.
Variant type: single nucleotide variant.
Coding change: c.1009C>T on transcript NM_001374828.1 (MANE Select); coding-DNA position 1009, C replaced by T.
Protein change: p.Gln337Ter; replaces glutamine 337 with a stop codon.
Molecular consequence: nonsense.
Genome position (GRCh38, 1-based): chr6:156,778,689, C>T. VCF-style: chr6-156778689-C-T. GRCh37 (hg19) VCF-style: chr6-157099823-C-T.
Other names: c.760C>T, p.Gln254Ter (NM_020732.3); c.1009C>T, p.Gln337Ter (NM_001371656.1, NM_001374820.1, NM_017519.3); short protein forms Q254*, Q337*.
Identifiers: ClinVar variation 620534 (VCV000620534.1), dbSNP rs1554247662, ClinGen allele CA366382779.